The following is an entry in ClinVar:

NM_194248.3(OTOF):c.5419G>A (p.Val1807Ile)

Gene: OTOF (otoferlin; minus strand). Cytogenetic location: 2p23.3.
Variant type: single nucleotide variant.
Coding change: c.5419G>A on transcript NM_194248.3 (MANE Select); coding-DNA position 5419, G replaced by A.
Protein change: p.Val1807Ile; replaces valine 1807 with isoleucine.
Molecular consequence: missense variant.
Genome position (GRCh38, 1-based): chr2:26,461,810, C>T on the plus strand (G>A on the coding strand, the complement: OTOF is on the minus strand). VCF-style: chr2-26461810-C-T. GRCh37 (hg19) VCF-style: chr2-26684678-C-T.
Other names: c.5419G>A, p.Val1807Ile (NM_001287489.2); c.3118G>A, p.Val1040Ile (NM_004802.4, NM_194323.3); c.3349G>A, p.Val1117Ile (NM_194322.3); short protein forms V1117I, V1040I, V1807I.
Identifiers: ClinVar variation 1436003 (VCV001436003.7), dbSNP rs141443396, ClinGen allele CA1562828.

ClinVar aggregate classification (germline): Uncertain significance. Review status: criteria provided, multiple submitters, no conflicts (2 of 4 stars). 3 submissions from 3 submitters: Uncertain significance (3). Last evaluated 2023-10-05.

Conditions:
Autosomal recessive nonsyndromic hearing loss 9. Also called: NEUROSENSORY NONSYNDROMIC RECESSIVE DEAFNESS 9; Deafness, autosomal recessive 9; AUDITORY NEUROPATHY, AUTOSOMAL RECESSIVE, 1, TEMPERATURE-SENSITIVE; OTOF-Related Hearing Loss. Identifiers: Orphanet 90636, MedGen C1832828, MONDO:0010986, OMIM 601071.

Allele frequency attached by ClinVar (database versions not stated): TOPMed 0.00006; gnomAD 0.00007 and 0.00008; ESP Exome Variant Server 0.00008; gnomAD exomes 0.00010 and 0.00014; ExAC 0.00012.
gnomAD v4.1: 219 of 1,614,056 alleles (0.014%); highest among the groups gnomAD compares: Non-Finnish European, 0.017%; no homozygotes.

Submissions (3):

Blueprint Genetics
Classification: Uncertain significance. Last evaluated: 2023-10-05. Review status: criteria provided, single submitter. Criteria: ACMG Guidelines, 2015. Collection method: clinical testing. Allele origin: germline.

Labcorp Genetics (formerly Invitae), Labcorp
Classification: Uncertain significance. Last evaluated: 2022-10-05. Review status: criteria provided, single submitter. Criteria: Invitae Variant Classification Sherloc (09022015). Collection method: clinical testing. Allele origin: germline.
Comment: This sequence change replaces valine, which is neutral and non-polar, with isoleucine, which is neutral and non-polar, at codon 1807 of the OTOF protein (p.Val1807Ile). This variant is present in population databases (rs141443396, gnomAD 0.02%). This variant has not been reported in the literature in individuals affected with OTOF-related conditions. ClinVar contains an entry for this variant (Variation ID: 1436003). Advanced modeling of protein sequence and biophysical properties (such as structural, functional, and spatial information, amino acid conservation, physicochemical variation, residue mobility, and thermodynamic stability) performed at Invitae indicates that this missense variant is not expected to disrupt OTOF protein function. In summary, the available evidence is currently insufficient to determine the role of this variant in disease. Therefore, it has been classified as a Variant of Uncertain Significance.

Department of Pathology and Laboratory Medicine, Sinai Health System
Classification: Uncertain significance for Autosomal recessive nonsyndromic hearing loss 9. Last evaluated: 2021-11-22. Review status: criteria provided, single submitter. Criteria: ACMG Guidelines, 2015. Collection method: research. Allele origin: germline.